The following is an entry in ClinVar:

NM_001001957.2(OR2W3):c.296T>C (p.Ile99Thr)

Gene: OR2W3 (olfactory receptor family 2 subfamily W member 3; plus strand). Cytogenetic location: 1q44.
Variant type: single nucleotide variant.
Coding change: c.296T>C on transcript NM_001001957.2 (MANE Select); coding-DNA position 296, T replaced by C.
Protein change: p.Ile99Thr; replaces isoleucine 99 with threonine.
Molecular consequence: missense variant.
Genome position (GRCh38, 1-based): chr1:247,895,882, T>C. VCF-style: chr1-247895882-T-C. GRCh37 (hg19) VCF-style: chr1-248059184-T-C.
Other names: short protein forms I99T.
Identifiers: ClinVar variation 2032484 (VCV002032484.4), dbSNP rs756747996, ClinGen allele CA345591935.

ClinVar aggregate classification (germline): Uncertain significance (1 of 4 stars; one submission).

Submission:

Labcorp Genetics (formerly Invitae), Labcorp
Classification: Uncertain significance. Last evaluated: 2022-09-25. Review status: criteria provided, single submitter. Criteria: Invitae Variant Classification Sherloc (09022015). Collection method: clinical testing. Allele origin: germline.
Comment: This sequence change replaces isoleucine, which is neutral and non-polar, with threonine, which is neutral and polar, at codon 99 of the OR2W3 protein (p.Ile99Thr). This variant is not present in population databases (gnomAD no frequency). This variant has not been reported in the literature in individuals affected with OR2W3-related conditions. Algorithms developed to predict the effect of missense changes on protein structure and function are either unavailable or do not agree on the potential impact of this missense change (SIFT: "Deleterious"; PolyPhen-2: "Benign"; Align-GVGD: "Class C25"). In summary, the available evidence is currently insufficient to determine the role of this variant in disease. Therefore, it has been classified as a Variant of Uncertain Significance.